The following is an entry in ClinVar:

NM_001042492.3(NF1):c.2109_2122del (p.Val705fs)

Gene: NF1 (neurofibromin 1; plus strand). Cytogenetic location: 17q11.2.
Variant type: Deletion.
Coding change: c.2109_2122del on transcript NM_001042492.3 (MANE Select); coding-DNA positions 2109 to 2122, 14 bases deleted (TCTGGTTGCCATGT).
Protein change: p.Val705fs; shifts the reading frame from valine 705.
Molecular consequence: frameshift variant.
Genome position (GRCh38, 1-based): chr17:31,226,542-31,226,555, TCTGGTTGCCATGT deleted; deleting any 14 consecutive bases within chr17:31,226,539-31,226,555 gives the same sequence; the c. name uses the placement nearest the transcript's 3' end. VCF-style (leftmost placement, unchanged base first): chr17-31226538-CTGTTCTGGTTGCCA-C. GRCh37 (hg19) VCF-style: chr17-29553556-CTGTTCTGGTTGCCA-C.
Other names: c.2109_2122del14 (NM_000267.3); c.2109_2122delTCTGGTTGCCATGT, p.Val705Phefs (NM_000267.4); short protein forms V705fs.
Identifiers: ClinVar variation 1786016 (VCV001786016.2), dbSNP rs2508156266, ClinGen allele CA2580093148.
Genomic context (GRCh38, chr17:31,226,538, plus strand): 5'-AAGCCCAGACCAAACTAGAAGTGGCCCTGTACATGTTTCTGTGGAACCCTGACACTGAAG[CTGTTCTGGTTGCCA>C]TGTCCTGTTTCCGCCACCTCTGTGAGGAAGCAGATATCCGGTGTGGGGTGGATGAAGTGT-3'

ClinVar aggregate classification (germline): Pathogenic (1 of 4 stars; one submission).

Conditions:
Hereditary cancer-predisposing syndrome. Also called: Neoplastic Syndromes, Hereditary; Tumor predisposition; Hereditary Cancer Syndrome; Hereditary neoplastic syndrome. Identifiers: Orphanet 140162, MedGen C0027672, MeSH D009386, MONDO:0015356.
Cardiovascular phenotype. Identifiers: MedGen CN230736.

Submission:

Ambry Genetics
Classification: Pathogenic for Cardiovascular phenotype; Hereditary cancer-predisposing syndrome. Last evaluated: 2022-03-30. Review status: criteria provided, single submitter. Criteria: Ambry Variant Classification Scheme 2023. Collection method: clinical testing. Allele origin: germline.
Comment: The c.2109_2122del14 pathogenic mutation, located in coding exon 18 of the NF1 gene, results from a deletion of 14 nucleotides at nucleotide positions 2109 to 2122, causing a translational frameshift with a predicted alternate stop codon (p.V705Ffs*6). This variant is considered to be rare based on population cohorts in the Genome Aggregation Database (gnomAD). This alteration has been observed in at least one individual with a personal and/or family history that is consistent with NF1-related disease (Ambry internal data). This alteration is expected to result in loss of function by premature protein truncation or nonsense-mediated mRNA decay. As such, this alteration is interpreted as a disease-causing mutation.